The following is an entry in ClinVar:

NM_001106.4(ACVR2B):c.1534A>G (p.Ile512Val)

Gene: ACVR2B (activin A receptor type 2B; plus strand). Cytogenetic location: 3p22.2.
Variant type: single nucleotide variant.
Coding change: c.1534A>G on transcript NM_001106.4 (MANE Select); coding-DNA position 1534, A replaced by G.
Protein change: p.Ile512Val; replaces isoleucine 512 with valine.
Molecular consequence: missense variant.
Genome position (GRCh38, 1-based): chr3:38,483,327, A>G. VCF-style: chr3-38483327-A-G. GRCh37 (hg19) VCF-style: chr3-38524818-A-G.
Other names: short protein forms I512V.
Identifiers: ClinVar variation 2719454 (VCV002719454.3), dbSNP rs2471268358, ClinGen allele CA352135418.
Genomic context (GRCh38, chr3:38,483,327, plus strand): 5'-TGTCTCGTTTCCCTGGTGACCTCTGTCACCAATGTGGACCTGCCCCCTAAAGAGTCAAGC[A>G]TCTAAGCCCAGGACATGAGTGTCTGTCCAGACTCAGTGGATCTGAAGAAAAAAGGAAAAA-3'
Protein context (NP_001097.2, residues 502-512): NVDLPPKESS[Ile512Val]

ClinVar aggregate classification (germline): Uncertain significance (1 of 4 stars; one submission).

Conditions:
Heterotaxy, visceral, 4, autosomal (HTX4). Identifiers: Orphanet 450, MedGen C3151057, MONDO:0013403, OMIM 613751.

Submission:

Labcorp Genetics (formerly Invitae), Labcorp
Classification: Uncertain significance for Heterotaxy, visceral, 4, autosomal. Last evaluated: 2023-06-19. Review status: criteria provided, single submitter. Criteria: Invitae Variant Classification Sherloc (09022015). Collection method: clinical testing. Allele origin: germline.
Comment: This variant is not present in population databases (gnomAD no frequency). This sequence change replaces isoleucine, which is neutral and non-polar, with valine, which is neutral and non-polar, at codon 512 of the ACVR2B protein (p.Ile512Val). This variant has not been reported in the literature in individuals affected with ACVR2B-related conditions. In summary, the available evidence is currently insufficient to determine the role of this variant in disease. Therefore, it has been classified as a Variant of Uncertain Significance. Advanced modeling of protein sequence and biophysical properties (such as structural, functional, and spatial information, amino acid conservation, physicochemical variation, residue mobility, and thermodynamic stability) performed at Invitae indicates that this missense variant is not expected to disrupt ACVR2B protein function.